The following is an entry in ClinVar:

ClinVar aggregate classification (germline): Uncertain significance (1 of 4 stars; one submission).

gnomAD v4.1: 7 of 1,612,270 alleles (0.00043%); highest among the groups gnomAD compares: African/African-American, 0.0053%; no homozygotes.

Submission:

GeneDx
Classification: Uncertain significance. Last evaluated: 2023-12-12. Review status: criteria provided, single submitter. Criteria: GeneDx Variant Classification Process June 2021. Collection method: clinical testing. Allele origin: germline. Affected: yes.
Comment: Not observed at significant frequency in large population cohorts (gnomAD); In silico analysis supports that this missense variant has a deleterious effect on protein structure/function; Has not been previously published as pathogenic or benign to our knowledge

NM_014014.5(SNRNP200):c.1864G>A (p.Asp622Asn)

Gene: SNRNP200 (small nuclear ribonucleoprotein U5 subunit 200; minus strand). Cytogenetic location: 2q11.2.
Variant type: single nucleotide variant.
Coding change: c.1864G>A on transcript NM_014014.5 (MANE Select); coding-DNA position 1864, G replaced by A.
Protein change: p.Asp622Asn; replaces aspartic acid 622 with asparagine.
Molecular consequence: missense variant.
Genome position (GRCh38, 1-based): chr2:96,293,488, C>T on the plus strand (G>A on the coding strand, the complement: SNRNP200 is on the minus strand). VCF-style: chr2-96293488-C-T. GRCh37 (hg19) VCF-style: chr2-96959226-C-T.
Other names: short protein forms D622N.
Identifiers: ClinVar variation 3365460 (VCV003365460.1).